The following is an entry in ClinVar:

ClinVar aggregate classification (germline): Uncertain significance (1 of 4 stars; one submission).

Conditions:
Arrhythmogenic right ventricular dysplasia 9 (ARVD9). Also called: Arrhythmogenic Right Ventricular Dysplasia/Cardiomyopathy 9; ARRHYTHMOGENIC RIGHT VENTRICULAR DYSPLASIA, FAMILIAL, 9. Identifiers: MedGen C1836906, MONDO:0012180, OMIM 609040.

Allele frequency attached by ClinVar (database versions not stated): gnomAD exomes 0.00002; ExAC 0.00005.
gnomAD v4.1: 8 of 536,558 alleles (0.0015%); highest among the groups gnomAD compares: South Asian, 0.011%; no homozygotes.

Submission:

Labcorp Genetics (formerly Invitae), Labcorp
Classification: Uncertain significance for Arrhythmogenic right ventricular dysplasia 9. Last evaluated: 2025-12-28. Review status: criteria provided, single submitter. Criteria: Invitae Variant Classification Sherloc (09022015). Collection method: clinical testing. Allele origin: germline.
Comment: This sequence change replaces proline, which is neutral and non-polar, with serine, which is neutral and polar, at codon 500 of the PKP2 protein (p.Pro500Ser). This variant is present in population databases (rs778406619, gnomAD 0.007%). This variant has not been reported in the literature in individuals affected with PKP2-related conditions. ClinVar contains an entry for this variant (Variation ID: 2918253). An algorithm developed to predict the effect of missense changes on protein structure and function (PolyPhen-2) suggests that this variant is likely to be tolerated. In summary, the available evidence is currently insufficient to determine the role of this variant in disease. Therefore, it has been classified as a Variant of Uncertain Significance.

NM_001005242.3(PKP2):c.1379-1989C>T

Gene: PKP2 (plakophilin 2; minus strand). Cytogenetic location: 12p11.21.
Variant type: single nucleotide variant.
Coding change: c.1379-1989C>T on transcript NM_001005242.3 (MANE Select); 1989 bases into the intron before coding-DNA position 1379, C replaced by T.
Molecular consequence: intron variant. On other transcripts: missense variant (2).
Genome position (GRCh38, 1-based): chr12:32,843,194, G>A on the plus strand (C>T on the coding strand, the complement: PKP2 is on the minus strand). VCF-style: chr12-32843194-G-A. GRCh37 (hg19) VCF-style: chr12-32996128-G-A.
Other names: c.1498C>T, p.Pro500Ser (NM_001407157.1, NM_004572.4); c.1379-1989C>T (NM_001407156.1, NM_001407155.1, NM_001407161.1); c.1052-1989C>T (NM_001407160.1, NM_001407159.1, NM_001407158.1 and 1 more transcripts); short protein forms P500S.
Identifiers: ClinVar variation 2918253 (VCV002918253.3), dbSNP rs778406619, ClinGen allele CA028766.
Genomic context (GRCh38, chr12:32,843,194, plus strand): 5'-GACACCCGGCTAATTTTTTTGTATTTTGAGTAGAGACAGGGGTCTCACCATGTTGGTCAG[G>A]CTGGTCTCGAACTCCTGACCTCGTGATCCGCCCGCCTTGGCCTCCCAAAGTGCTGGGATT-3'